The following is an entry in ClinVar:

ClinVar aggregate classification (germline): Pathogenic (1 of 4 stars; one submission).

Conditions:
Epidermodysplasia verruciformis. Identifiers: Orphanet 302, MedGen C0014522, MONDO:0009176.

Allele frequency attached by ClinVar (database versions not stated): gnomAD 0.00001; gnomAD exomes 0.00001; TOPMed 0.00001.

Submission:

Labcorp Genetics (formerly Invitae), Labcorp
Classification: Pathogenic for Epidermodysplasia verruciformis. Last evaluated: 2023-12-23. Review status: criteria provided, single submitter. Criteria: Invitae Variant Classification Sherloc (09022015). Collection method: clinical testing. Allele origin: germline.
Comment: This sequence change creates a premature translational stop signal (p.Gln236Argfs*48) in the TMC8 gene. It is expected to result in an absent or disrupted protein product. Loss-of-function variants in TMC8 are known to be pathogenic (PMID: 12426567, 22158547). This variant is present in population databases (no rsID available, gnomAD 0.007%). This variant has not been reported in the literature in individuals affected with TMC8-related conditions. For these reasons, this variant has been classified as Pathogenic.

Literature cited by the submitters: PubMed 12426567; PubMed 22158547.

NM_152468.5(TMC8):c.705del (p.Gln236fs)

Gene: TMC8 (transmembrane channel like 8; plus strand). Cytogenetic location: 17q25.3.
Variant type: Deletion.
Coding change: c.705del on transcript NM_152468.5 (MANE Select); coding-DNA position 705, one base deleted (T; older notation c.705delT).
Protein change: p.Gln236fs; shifts the reading frame from glutamine 236.
Molecular consequence: frameshift variant.
Genome position (GRCh38, 1-based): chr17:78,133,889, T deleted. VCF-style (leftmost placement, unchanged base first): chr17-78133888-GT-G. GRCh37 (hg19) VCF-style: chr17-76129969-GT-G.
Other names: short protein forms Q236fs.
Identifiers: ClinVar variation 2725514 (VCV002725514.3), dbSNP rs1233952795, ClinGen allele CA628014361.